The following is an entry in ClinVar:

NM_002878.4(RAD51D):c.621G>A (p.Ser207=)

Genes: RAD51D (RAD51 paralog D; minus strand), RAD51L3-RFFL (RAD51L3-RFFL readthrough; minus strand). Cytogenetic location: 17q12.
Variant type: single nucleotide variant.
Coding change: c.621G>A on transcript NM_002878.4 (MANE Select); coding-DNA position 621, G replaced by A.
Protein change: p.Ser207=; no amino-acid change (serine 207 retained).
Molecular consequence: synonymous variant. On other transcripts: non-coding transcript variant (3).
Genome position (GRCh38, 1-based): chr17:35,103,500, C>T on the plus strand (G>A on the coding strand, the complement: RAD51D is on the minus strand). VCF-style: chr17-35103500-C-T. GRCh37 (hg19) VCF-style: chr17-33430519-C-T.
Other names: c.681G>A, p.Ser227= (NM_001142571.2); c.285G>A, p.Ser95= (NM_133629.3).
Identifiers: ClinVar variation 231230 (VCV000231230.28), dbSNP rs749859221, ClinGen allele CA10580451.

ClinVar aggregate classification (germline): Benign/Likely benign. Review status: criteria provided, multiple submitters, no conflicts (2 of 4 stars). 9 submissions from 9 submitters: Benign (1); Likely benign (7). 1 of the submissions does not count toward it. Last evaluated 2026-01-17.

Conditions:
Hereditary cancer-predisposing syndrome. Also called: Neoplastic Syndromes, Hereditary; Hereditary Cancer Syndrome; Tumor predisposition; Hereditary neoplastic syndrome. Identifiers: Orphanet 140162, MedGen C0027672, MeSH D009386, MONDO:0015356.
Hereditary breast ovarian cancer syndrome. Also called: Breast and ovarian cancer; BRCA1- and BRCA2-Associated Hereditary Breast and Ovarian Cancer; Hereditary breast and ovarian cancer syndrome; Hereditary breast and ovarian cancer syndrome (HBOC); Hereditary breast and/or ovarian cancer syndrome; Hereditary breast and ovarian cancer. Identifiers: Orphanet 145, MedGen C0677776, MeSH D061325, MONDO:0003582. Disease mechanism: loss of function.
Breast-ovarian cancer, familial, susceptibility to, 4. Identifiers: Orphanet 145, MedGen C3280345, MONDO:0013669, OMIM 614291.

Allele frequency attached by ClinVar (database versions not stated): gnomAD 0.00001.
gnomAD v4.1: 7 of 1,614,056 alleles (0.00043%); highest among the groups gnomAD compares: South Asian, 0.0033%; no homozygotes.

Submissions (9):

Labcorp Genetics (formerly Invitae), Labcorp
Classification: Likely benign for Breast-ovarian cancer, familial, susceptibility to, 4. Last evaluated: 2026-01-17. Review status: criteria provided, single submitter. Criteria: Invitae Variant Classification Sherloc (09022015). Collection method: clinical testing. Allele origin: germline.

Center for Genomic Medicine, Rigshospitalet, Copenhagen University Hospital
Classification: Likely benign. Last evaluated: 2025-03-04. Review status: criteria provided, single submitter. Criteria: ACMG Guidelines, 2015. Collection method: clinical testing. Allele origin: germline.

Myriad Genetics, Inc.
Classification: Benign for Breast-ovarian cancer, familial, susceptibility to, 4. Last evaluated: 2025-02-24. Review status: criteria provided, single submitter. Criteria: Myriad Autosomal Dominant, Autosomal Recessive and X-Linked Classification Criteria (2023). Collection method: clinical testing. Allele origin: unknown.
Comment: This variant is considered benign. This variant is a silent/synonymous amino acid change and it is not expected to impact splicing.

Department of Pathology and Laboratory Medicine, Sinai Health System
Classification: Likely benign for Hereditary breast ovarian cancer syndrome. Last evaluated: 2024-04-24. Review status: criteria provided, single submitter. Criteria: ACMG Guidelines, 2015. Collection method: clinical testing. Allele origin: germline. Affected: yes.

Blueprint Genetics
Classification: Likely benign. Last evaluated: 2022-12-09. Review status: criteria provided, single submitter. Criteria: ACMG Guidelines, 2015. Collection method: clinical testing. Allele origin: germline.

Color Diagnostics, LLC DBA Color Health
Classification: Likely benign for Hereditary cancer-predisposing syndrome. Last evaluated: 2020-01-27. Review status: criteria provided, single submitter. Criteria: ACMG Guidelines, 2015. Collection method: clinical testing. Allele origin: germline.

GeneDx
Classification: Likely benign. Last evaluated: 2019-07-29. Review status: criteria provided, single submitter. Criteria: GeneDx Variant Classification Process June 2021. Collection method: clinical testing. Allele origin: germline. Affected: yes.

Ambry Genetics
Classification: Likely benign for Hereditary cancer-predisposing syndrome. Last evaluated: 2015-04-07. Review status: criteria provided, single submitter. Criteria: Ambry Variant Classification Scheme 2023. Collection method: clinical testing. Allele origin: germline.

True Health Diagnostics
Classification: Likely benign for Hereditary cancer-predisposing syndrome. Last evaluated: 2018-05-08. Review status: no assertion criteria provided. Collection method: clinical testing. Allele origin: germline. Not counted in ClinVar's aggregate classification.